The following is an entry in ClinVar:

NM_001297.5(CNGB1):c.346C>T (p.Gln116Ter)

Gene: CNGB1 (cyclic nucleotide gated channel subunit beta 1; minus strand). Cytogenetic location: 16q21.
Variant type: single nucleotide variant.
Coding change: c.346C>T on transcript NM_001297.5 (MANE Select); coding-DNA position 346, C replaced by T.
Protein change: p.Gln116Ter; replaces glutamine 116 with a stop codon.
Molecular consequence: nonsense.
Genome position (GRCh38, 1-based): chr16:57,963,009, G>A on the plus strand (C>T on the coding strand, the complement: CNGB1 is on the minus strand). VCF-style: chr16-57963009-G-A. GRCh37 (hg19) VCF-style: chr16-57996913-G-A.
Other names: c.346C>T, p.Gln116Ter (NM_001135639.2, NM_001286130.2); c.346C>T (NM_001297.4); short protein forms Q116*.
Identifiers: ClinVar variation 1074505 (VCV001074505.10), dbSNP rs367677784, ClinGen allele CA281626322.

ClinVar aggregate classification (germline): Pathogenic. Review status: criteria provided, multiple submitters, no conflicts (2 of 4 stars). 4 submissions from 4 submitters: Pathogenic (4). Last evaluated 2026-02-19.

Conditions:
CNGB1-related disorder. Also called: CNGB1-related condition.
Retinal disorder. Also called: Retinopathies; Retinal Diseases; Retinal disorders; Retinopathy. Identifiers: MedGen C0035309, MONDO:0005283, HP:0000488.

Allele frequency attached by ClinVar (database versions not stated): gnomAD exomes below 0.00001; gnomAD 0.00001; TOPMed 0.00002; ESP Exome Variant Server 0.00008.
gnomAD v4.1: 7 of 1,613,424 alleles (0.00043%); highest among the groups gnomAD compares: Non-Finnish European, 0.00059%; no homozygotes.

Submissions (4):

Genetics Laboratory, Great Ormond Street Hospital NHS Foundation Trust, North Thames Genomic Laboratory Hub
Classification: Pathogenic for Retinal disorders. Last evaluated: 2026-02-19. Review status: criteria provided, single submitter. Criteria: ACGS Best Practice Guidelines for Variant Classification in Rare Disease 2024 v1.2. Collection method: clinical testing. Allele origin: germline. Affected: yes.
Comment: PM2_moderate, PVS1_very-strong, PM3_moderate

Blueprint Genetics
Classification: Pathogenic for CNGB1-related disorders. Last evaluated: 2024-02-19. Review status: criteria provided, single submitter. Criteria: ACMG Guidelines, 2015. Collection method: clinical testing. Allele origin: germline. Affected: yes. Observed: 5 variant alleles.

GeneDx
Classification: Pathogenic. Last evaluated: 2024-01-10. Review status: criteria provided, single submitter. Criteria: GeneDx Variant Classification Process June 2021. Collection method: clinical testing. Allele origin: germline. Affected: yes.
Comment: Nonsense variant predicted to result in protein truncation or nonsense mediated decay in a gene for which loss of function is a known mechanism of disease; Not observed at significant frequency in large population cohorts (gnomAD); This variant is associated with the following publications: (PMID: 31964843, 33847019, 31570810, 35456422)

Labcorp Genetics (formerly Invitae), Labcorp
Classification: Pathogenic. Last evaluated: 2020-02-07. Review status: criteria provided, single submitter. Criteria: Invitae Variant Classification Sherloc (09022015). Collection method: clinical testing. Allele origin: germline.
Comment: This sequence change creates a premature translational stop signal (p.Gln116*) in the CNGB1 gene. It is expected to result in an absent or disrupted protein product. This variant is not present in population databases (ExAC no frequency). For these reasons, this variant has been classified as Pathogenic. Loss-of-function variants in CNGB1 are known to be pathogenic (PMID: 15557452, 24043777). This variant has not been reported in the literature in individuals with CNGB1-related conditions.

Literature cited by the submitters: PubMed 15557452 (cited by Labcorp Genetics (formerly Invitae), Labcorp); PubMed 24043777 (cited by Labcorp Genetics (formerly Invitae), Labcorp).